The following is an entry in ClinVar:

ClinVar aggregate classification (germline): Pathogenic (1 of 4 stars; one submission).

Submission:

Labcorp Genetics (formerly Invitae), Labcorp
Classification: Pathogenic. Last evaluated: 2024-01-29. Review status: criteria provided, single submitter. Criteria: Invitae Variant Classification Sherloc (09022015). Collection method: clinical testing. Allele origin: germline.
Comment: This sequence change creates a premature translational stop signal (p.Ala107Leufs*2) in the POLH gene. It is expected to result in an absent or disrupted protein product. Loss-of-function variants in POLH are known to be pathogenic (PMID: 11773631, 24130121, 25256075). This variant is not present in population databases (gnomAD no frequency). This variant has not been reported in the literature in individuals affected with POLH-related conditions. For these reasons, this variant has been classified as Pathogenic.

Literature cited by the submitters: PubMed 11773631; PubMed 24130121; PubMed 25256075.

NM_006502.3(POLH):c.319del (p.Ala107fs)

Gene: POLH (DNA polymerase eta; plus strand). Cytogenetic location: 6p21.1.
Variant type: Deletion.
Coding change: c.319del on transcript NM_006502.3 (MANE Select); coding-DNA position 319, one base deleted (G; older notation c.319delG).
Protein change: p.Ala107fs; shifts the reading frame from alanine 107.
Molecular consequence: frameshift variant. On other transcripts: intron variant (1).
Genome position (GRCh38, 1-based): chr6:43,587,318, G deleted. VCF-style (leftmost placement, unchanged base first): chr6-43587317-TG-T. GRCh37 (hg19) VCF-style: chr6-43555054-TG-T.
Other names: c.319del, p.Ala107fs (NM_001291970.2); c.118+4177del (NM_001291969.2); short protein forms A107fs.
Identifiers: ClinVar variation 3690578 (VCV003690578.2).
Genomic context (GRCh38, chr6:43,587,317, plus strand): 5'-CCTTATACTTCTTAGGTACCGGGAAGCCAGTGTTGAAGTGATGGAGATAATGTCTCGTTT[TG>T]CTGTGATTGAACGTGCCAGCATTGATGAGGCTTACGTAGATCTGACCAGTGCTGTACAAG-3'